The following is an entry in ClinVar:

NM_001267550.2(TTN):c.95806G>A (p.Asp31936Asn)

Genes: TTN (titin; minus strand), TTN-AS1 (TTN antisense RNA 1; plus strand). Cytogenetic location: 2q31.2.
Variant type: single nucleotide variant.
Coding change: c.95806G>A on transcript NM_001267550.2 (MANE Select); coding-DNA position 95806, G replaced by A.
Protein change: p.Asp31936Asn; replaces aspartic acid 31936 with asparagine.
Molecular consequence: missense variant.
Genome position (GRCh38, 1-based): chr2:178,544,423, C>T on the plus strand (G>A on the coding strand, the complement: TTN is on the minus strand). VCF-style: chr2-178544423-C-T. GRCh37 (hg19) VCF-style: chr2-179409150-C-T.
Other names: c.90883G>A, p.Asp30295Asn (NM_001256850.1); c.68611G>A, p.Asp22871Asn (NM_003319.4); c.68986G>A, p.Asp22996Asn (NM_133432.3); c.69187G>A, p.Asp23063Asn (NM_133437.4); c.88102G>A, p.Asp29368Asn (NM_133378.4); short protein forms D31936N, D22871N, D22996N, D23063N, D29368N, D30295N.
Identifiers: ClinVar variation 74248 (VCV000074248.17), dbSNP rs267599025, ClinGen allele CA178413.

ClinVar aggregate classification (germline): Uncertain significance. Review status: criteria provided, multiple submitters, no conflicts (2 of 4 stars). 7 submissions from 7 submitters: Uncertain significance (7). Last evaluated 2025-04-29.

Conditions:
TTN-related disorder. Also called: TTN-related condition; TTN-related disease; TTN-related disorders.
Myopathy, myofibrillar, 9, with early respiratory failure (MFM9). Also called: Hereditary myopathy with early respiratory failure; EDSTROM MYOPATHY; MYOPATHY, PROXIMAL, WITH EARLY RESPIRATORY MUSCLE INVOLVEMENT; Myopathy, distal, with early respiratory failure, autosomal dominant. Identifiers: Orphanet 178464, Orphanet 34521, MedGen C1863599, MONDO:0011362, OMIM 603689.
Dilated cardiomyopathy 1G (CMD1G). Identifiers: Orphanet 154, MedGen C1858763, MONDO:0011400, OMIM 604145.
Autosomal recessive limb-girdle muscular dystrophy type 2J (LGMDR10). Also called: Limb-girdle muscular dystrophy, type 2J; MUSCULAR DYSTROPHY, LIMB-GIRDLE, AUTOSOMAL RECESSIVE 10. Identifiers: Orphanet 140922, MedGen C1837342, MONDO:0012127, OMIM 608807.
Early-onset myopathy with fatal cardiomyopathy (CMYO5). Also called: Salih Myopathy; CONGENITAL MYOPATHY 5 WITH CARDIOMYOPATHY. Identifiers: Orphanet 289377, MedGen C2673677, MONDO:0012714, OMIM 611705. Disease mechanism: loss of function.
Tibial muscular dystrophy (TMD). Also called: Udd Distal Myopathy – Tibial Muscular Dystrophy; UDD MYOPATHY; Tibial muscular dystrophy, tardive. Identifiers: Orphanet 609, MedGen C1838244, MONDO:0010870, OMIM 600334.
Hypertrophic cardiomyopathy 9. Also called: Familial hypertrophic cardiomyopathy 9. Identifiers: MedGen C1861065, MONDO:0013412, OMIM 613765.

Allele frequency attached by ClinVar (database versions not stated): gnomAD exomes 0.00001 and 0.00002; ExAC 0.00002; gnomAD 0.00004; TOPMed 0.00005.
gnomAD v4.1: 27 of 1,613,618 alleles (0.0017%); highest among the groups gnomAD compares: Middle Eastern, 0.016%; no homozygotes.

Submissions (7):

PreventionGenetics, part of Exact Sciences
Classification: Uncertain significance for TTN-related condition. Last evaluated: 2025-04-29. Review status: criteria provided, single submitter. Criteria: ACMG Guidelines, 2015. Collection method: clinical testing. Allele origin: germline.
Comment: The TTN c.95806G>A variant is predicted to result in the amino acid substitution p.Asp31936Asn. This variant has been reported in an individual with arrhythmogenic cardiomyopathy; however, this individual also carried additional variants, including a homozygous splice site variant in DSG2 (proband #39 in Table 2 and Table S2, Poloni et al. 2019. PubMed ID: 30453078). This variant is reported in 0.011% of alleles in individuals of Latino descent in gnomAD. At this time, the clinical significance of this variant is uncertain due to the absence of conclusive functional and genetic evidence.

Revvity Omics, Revvity
Classification: Uncertain significance. Last evaluated: 2023-09-24. Review status: criteria provided, single submitter. Criteria: ACMG Guidelines, 2015. Collection method: clinical testing. Allele origin: germline.

Fulgent Genetics
Classification: Uncertain significance for Tibial muscular dystrophy; Myopathy, myofibrillar, 9, with early respiratory failure; Dilated cardiomyopathy 1G; Autosomal recessive limb-girdle muscular dystrophy type 2J; Early-onset myopathy with fatal cardiomyopathy; Hypertrophic cardiomyopathy 9. Last evaluated: 2021-09-30. Review status: criteria provided, single submitter. Criteria: ACMG Guidelines, 2015. Collection method: clinical testing. Allele origin: unknown.

Eurofins Ntd Llc (ga)
Classification: Uncertain significance. Last evaluated: 2018-03-15. Review status: criteria provided, single submitter. Criteria: EGL ClinVar v180209 classification definitions. Collection method: clinical testing. Allele origin: germline. Observed: 1 variant allele, 1 heterozygote.

Blueprint Genetics
Classification: Uncertain significance. Last evaluated: 2018-03-08. Review status: criteria provided, single submitter. Criteria: ACMG Guidelines, 2015. Collection method: clinical testing. Allele origin: germline.

Labcorp Genetics (formerly Invitae), Labcorp
Classification: Uncertain significance for Dilated cardiomyopathy 1G; Autosomal recessive limb-girdle muscular dystrophy type 2J. Last evaluated: 2016-01-29. Review status: criteria provided, single submitter. Criteria: Invitae Variant Classification Sherloc (09022015). Collection method: clinical testing. Allele origin: germline.

Laboratory for Molecular Medicine, Mass General Brigham Personalized Medicine
Classification: Uncertain significance. Last evaluated: 2014-01-02. Review status: criteria provided, single submitter. Criteria: LMM Criteria. Collection method: clinical testing. Allele origin: germline. Observed: 1 variant allele.
Comment: The Asp29368Asn variant in TTN has not been reported in individuals with cardiom yopathy or in large population studies. Computational analyses (biochemical amin o acid properties, conservation, AlignGVGD, PolyPhen2, and SIFT) do not provide strong support for or against an impact to the protein. Additional information i s needed to fully assess the clinical significance of the Asp29368Asn variant.